The following is an entry in ClinVar:

NM_001375808.2(LPIN2):c.1954C>T (p.His652Tyr)

Gene: LPIN2 (lipin 2; minus strand). Cytogenetic location: 18p11.31.
Variant type: single nucleotide variant.
Coding change: c.1954C>T on transcript NM_001375808.2 (MANE Select); coding-DNA position 1954, C replaced by T.
Protein change: p.His652Tyr; replaces histidine 652 with tyrosine.
Molecular consequence: missense variant.
Genome position (GRCh38, 1-based): chr18:2,924,531, G>A on the plus strand (C>T on the coding strand, the complement: LPIN2 is on the minus strand). VCF-style: chr18-2924531-G-A. GRCh37 (hg19) VCF-style: chr18-2924529-G-A.
Other names: c.1954C>T, p.His652Tyr (NM_001375809.1, NM_014646.2); short protein forms H652Y.
Identifiers: ClinVar variation 2010665 (VCV002010665.4), dbSNP rs1402407709, ClinGen allele CA401701072.

ClinVar aggregate classification (germline): Uncertain significance (1 of 4 stars; one submission).

Conditions:
Majeed syndrome (MJDS). Also called: LPIN2-Related Majeed Syndrome; CHRONIC RECURRENT MULTIFOCAL OSTEOMYELITIS 1, WITH CONGENITAL DYSERYTHROPOIETIC ANEMIA, WITH OR WITHOUT NEUTROPHILIC DERMATOSIS. Identifiers: Orphanet 77297, MedGen C1864997, MONDO:0012316, OMIM 609628.

Allele frequency attached by ClinVar (database versions not stated): gnomAD exomes below 0.00001.
gnomAD v4.1: 3 of 1,614,172 alleles (0.00019%); highest among the groups gnomAD compares: East Asian, 0.0045%; no homozygotes.

Submission:

Labcorp Genetics (formerly Invitae), Labcorp
Classification: Uncertain significance for Majeed syndrome. Last evaluated: 2022-06-25. Review status: criteria provided, single submitter. Criteria: Invitae Variant Classification Sherloc (09022015). Collection method: clinical testing. Allele origin: germline.
Comment: In summary, the available evidence is currently insufficient to determine the role of this variant in disease. Therefore, it has been classified as a Variant of Uncertain Significance. Algorithms developed to predict the effect of missense changes on protein structure and function (SIFT, PolyPhen-2, Align-GVGD) all suggest that this variant is likely to be tolerated. This variant has not been reported in the literature in individuals affected with LPIN2-related conditions. This variant is present in population databases (no rsID available, gnomAD 0.01%). This sequence change replaces histidine, which is basic and polar, with tyrosine, which is neutral and polar, at codon 652 of the LPIN2 protein (p.His652Tyr).